The following is an entry in ClinVar:

ClinVar aggregate classification (germline): Uncertain significance. Review status: criteria provided, multiple submitters, no conflicts (2 of 4 stars). 4 submissions from 4 submitters: Uncertain significance (4). Last evaluated 2025-08-25.

Conditions:
Inborn genetic diseases. Identifiers: MedGen C0950123, MeSH D030342.
Developmental and epileptic encephalopathy, 18 (DEE18). Also called: Early infantile epileptic encephalopathy 18. Identifiers: Orphanet 369894, MedGen C3809624, MONDO:0014201, OMIM 615476.

Allele frequency attached by ClinVar (database versions not stated): ExAC 0.00005; gnomAD exomes 0.00008 and 0.00025; gnomAD 0.00009; TOPMed 0.00011; 1000 Genomes Project 30x 0.00016; ESP Exome Variant Server 0.00017; 1000 Genomes Project 0.00020.
gnomAD v4.1: 376 of 1,589,878 alleles (0.024%); highest among the groups gnomAD compares: Non-Finnish European, 0.03%; no homozygotes.

Submissions (4):

GeneDx
Classification: Uncertain significance. Last evaluated: 2025-08-25. Review status: criteria provided, single submitter. Criteria: GeneDx Variant Classification Process June 2021. Collection method: clinical testing. Allele origin: germline. Affected: yes.
Comment: In silico analysis supports that this missense variant does not alter protein structure/function; Has not been previously published as pathogenic or benign to our knowledge

Ambry Genetics
Classification: Uncertain significance for Inborn genetic diseases. Last evaluated: 2025-04-17. Review status: criteria provided, single submitter. Criteria: Ambry Variant Classification Scheme 2023. Collection method: clinical testing. Allele origin: germline.

Genome-Nilou Lab
Classification: Uncertain significance for Developmental and epileptic encephalopathy, 18. Last evaluated: 2023-04-11. Review status: criteria provided, single submitter. Criteria: ACMG Guidelines, 2015. Collection method: clinical testing. Allele origin: germline. Affected: no.

Labcorp Genetics (formerly Invitae), Labcorp
Classification: Uncertain significance. Last evaluated: 2022-09-01. Review status: criteria provided, single submitter. Criteria: Invitae Variant Classification Sherloc (09022015). Collection method: clinical testing. Allele origin: germline.
Comment: This sequence change replaces threonine, which is neutral and polar, with serine, which is neutral and polar, at codon 672 of the SZT2 protein (p.Thr672Ser). This variant is present in population databases (rs190973132, gnomAD 0.02%). This variant has not been reported in the literature in individuals affected with SZT2-related conditions. ClinVar contains an entry for this variant (Variation ID: 590117). Algorithms developed to predict the effect of missense changes on protein structure and function are either unavailable or do not agree on the potential impact of this missense change (SIFT: "Tolerated"; PolyPhen-2: "Probably Damaging"; Align-GVGD: "Class C0"). In summary, the available evidence is currently insufficient to determine the role of this variant in disease. Therefore, it has been classified as a Variant of Uncertain Significance.

NM_001365999.1(SZT2):c.2014A>T (p.Thr672Ser)

Gene: SZT2 (SZT2 subunit of KICSTOR complex; plus strand). Cytogenetic location: 1p34.2.
Variant type: single nucleotide variant.
Coding change: c.2014A>T on transcript NM_001365999.1 (MANE Select); coding-DNA position 2014, A replaced by T.
Protein change: p.Thr672Ser; replaces threonine 672 with serine.
Molecular consequence: missense variant.
Genome position (GRCh38, 1-based): chr1:43,422,860, A>T. VCF-style: chr1-43422860-A-T. GRCh37 (hg19) VCF-style: chr1-43888531-A-T.
Other names: c.2014A>T, p.Thr672Ser (NM_015284.4); short protein forms T672S.
Identifiers: ClinVar variation 590117 (VCV000590117.15), dbSNP rs190973132, ClinGen allele CA808583.